The following is an entry in ClinVar:

ClinVar aggregate classification (germline): Uncertain significance (1 of 4 stars; one submission).

Conditions:
Methylmalonic acidemia due to transcobalamin receptor defect (MATR). Also called: METHYLMALONIC ACIDURIA, TRANSIENT, DUE TO TRANSCOBALAMIN RECEPTOR DEFECT; METHYLMALONIC ACIDEMIA, TCblR TYPE. Identifiers: Orphanet 280183, MedGen C4749905, MONDO:0013341, OMIM 613646.

Submission:

Labcorp Genetics (formerly Invitae), Labcorp
Classification: Uncertain significance for Methylmalonic acidemia due to transcobalamin receptor defect. Last evaluated: 2022-09-27. Review status: criteria provided, single submitter. Criteria: Invitae Variant Classification Sherloc (09022015). Collection method: clinical testing. Allele origin: germline.
Comment: In summary, the available evidence is currently insufficient to determine the role of this variant in disease. Therefore, it has been classified as a Variant of Uncertain Significance. Experimental studies and prediction algorithms are not available or were not evaluated, and the functional significance of this variant is currently unknown. This variant has not been reported in the literature in individuals affected with CD320-related conditions. This variant results in a copy number gain of the genomic region encompassing exon(s) 2-5 of the CD320 gene. This region includes the termination codon of the gene. This copy number gain extends beyond the assayed region for this gene and therefore may encompass additional genes. As the precise location of this event is unknown, it may be in tandem or it may be located elsewhere in the genome.

NC_000019.9:g.(?_8367347)_(8370060_?)dup

Gene: CD320 (CD320 molecule; minus strand). Cytogenetic location: 19p13.2.
Variant type: Duplication.
Identifiers: ClinVar variation 2426309 (VCV002426309.4).